The following is an entry in ClinVar:

ClinVar aggregate classification (germline): Uncertain significance (1 of 4 stars; one submission).

Submission:

Labcorp Genetics (formerly Invitae), Labcorp
Classification: Uncertain significance. Last evaluated: 2022-03-11. Review status: criteria provided, single submitter. Criteria: Invitae Variant Classification Sherloc (09022015). Collection method: clinical testing. Allele origin: germline.
Comment: In summary, the available evidence is currently insufficient to determine the role of this variant in disease. Therefore, it has been classified as a Variant of Uncertain Significance. Algorithms developed to predict the effect of missense changes on protein structure and function (SIFT, PolyPhen-2, Align-GVGD) all suggest that this variant is likely to be tolerated. This variant has not been reported in the literature in individuals affected with PDSS2-related conditions. This variant is not present in population databases (gnomAD no frequency). This sequence change replaces valine, which is neutral and non-polar, with isoleucine, which is neutral and non-polar, at codon 297 of the PDSS2 protein (p.Val297Ile).

NM_020381.4(PDSS2):c.889G>A (p.Val297Ile)

Gene: PDSS2 (decaprenyl diphosphate synthase subunit 2; minus strand). Cytogenetic location: 6q21.
Variant type: single nucleotide variant.
Coding change: c.889G>A on transcript NM_020381.4 (MANE Select); coding-DNA position 889, G replaced by A.
Protein change: p.Val297Ile; replaces valine 297 with isoleucine.
Molecular consequence: missense variant.
Genome position (GRCh38, 1-based): chr6:107,210,558, C>T on the plus strand (G>A on the coding strand, the complement: PDSS2 is on the minus strand). VCF-style: chr6-107210558-C-T. GRCh37 (hg19) VCF-style: chr6-107531762-C-T.
Other names: short protein forms V297I.
Identifiers: ClinVar variation 2093965 (VCV002093965.4), dbSNP rs2483265167, ClinGen allele CA365322681.